The following is an entry in ClinVar:

ClinVar aggregate classification (germline): Likely benign (0 of 4 stars; one submission).

Conditions:
SH2B1-related disorder. Also called: SH2B1-related condition.

gnomAD v4.1: 22 of 1,613,832 alleles (0.0014%); highest among the groups gnomAD compares: Admixed American, 0.0033%; no homozygotes.

Submission:

PreventionGenetics, part of Exact Sciences
Classification: Likely benign for SH2B1-related condition. Last evaluated: 2021-10-25. Review status: no assertion criteria provided. Collection method: clinical testing. Allele origin: germline.
Comment: This variant is classified as likely benign based on ACMG/AMP sequence variant interpretation guidelines (Richards et al. 2015 PMID: 25741868, with internal and published modifications).

NM_001387430.1(SH2B1):c.441G>A (p.Pro147=)

Gene: SH2B1 (SH2B adaptor protein 1; plus strand). Cytogenetic location: 16p11.2.
Variant type: single nucleotide variant.
Coding change: c.441G>A on transcript NM_001387430.1 (MANE Select); coding-DNA position 441, G replaced by A.
Protein change: p.Pro147=; no amino-acid change (proline 147 retained).
Molecular consequence: synonymous variant. On other transcripts: intron variant (1).
Genome position (GRCh38, 1-based): chr16:28,866,535, G>A. VCF-style: chr16-28866535-G-A. GRCh37 (hg19) VCF-style: chr16-28877856-G-A.
Other names: c.441G>A, p.Pro147= (NM_001145795.2, NM_001145796.2, NM_001145797.2 and 4 more transcripts); c.-26-839G>A (NM_001308294.2).
Identifiers: ClinVar variation 3351225 (VCV003351225.1).